The following is an entry in ClinVar:

NM_001105206.3(LAMA4):c.5162C>T (p.Thr1721Ile)

Gene: LAMA4 (laminin subunit alpha 4; minus strand). Cytogenetic location: 6q21.
Variant type: single nucleotide variant.
Coding change: c.5162C>T on transcript NM_001105206.3 (MANE Select); coding-DNA position 5162, C replaced by T.
Protein change: p.Thr1721Ile; replaces threonine 1721 with isoleucine.
Molecular consequence: missense variant.
Genome position (GRCh38, 1-based): chr6:112,114,707, G>A on the plus strand (C>T on the coding strand, the complement: LAMA4 is on the minus strand). VCF-style: chr6-112114707-G-A. GRCh37 (hg19) VCF-style: chr6-112435910-G-A.
Other names: c.5141C>T, p.Thr1714Ile (NM_001105207.3, NM_002290.5); short protein forms T1721I, T1714I.
Identifiers: ClinVar variation 2893752 (VCV002893752.5), dbSNP rs1472496288, ClinGen allele CA365364863.

ClinVar aggregate classification (germline): Uncertain significance. Review status: criteria provided, multiple submitters, no conflicts (2 of 4 stars). 2 submissions from 2 submitters: Uncertain significance (2). Last evaluated 2026-08-24.

Conditions:
Dilated cardiomyopathy 1JJ (CMD1JJ). Identifiers: Orphanet 154, MedGen C3808935, MONDO:0014095, OMIM 615235.
Cardiovascular phenotype. Identifiers: MedGen CN230736.

Allele frequency attached by ClinVar (database versions not stated): TOPMed 0.00001.
gnomAD v4.1: 18 of 1,613,242 alleles (0.0011%); highest among the groups gnomAD compares: Non-Finnish European, 0.0014%; no homozygotes.

Submissions (2):

Ambry Genetics
Classification: Uncertain significance for Cardiovascular phenotype. Last evaluated: 2026-08-24. Review status: criteria provided, single submitter. Criteria: Ambry Variant Classification Scheme 2023. Collection method: clinical testing. Allele origin: germline.
Comment: The p.T1714I variant (also known as c.5141C>T), located in coding exon 36 of the LAMA4 gene, results from a C to T substitution at nucleotide position 5141. The threonine at codon 1714 is replaced by isoleucine, an amino acid with similar properties. This amino acid position is well conserved in available vertebrate species. In addition, this alteration is predicted to be tolerated by in silico analysis. The evidence for this gene-disease relationship is limited; therefore, the clinical significance of this variant is unclear.

Labcorp Genetics (formerly Invitae), Labcorp
Classification: Uncertain significance for Dilated cardiomyopathy 1JJ. Last evaluated: 2023-03-08. Review status: criteria provided, single submitter. Criteria: Invitae Variant Classification Sherloc (09022015). Collection method: clinical testing. Allele origin: germline.
Comment: This variant is present in population databases (no rsID available, gnomAD 0.004%). In summary, the available evidence is currently insufficient to determine the role of this variant in disease. Therefore, it has been classified as a Variant of Uncertain Significance. An algorithm developed to predict the effect of missense changes on protein structure and function (PolyPhen-2) suggests that this variant is likely to be tolerated. This variant has not been reported in the literature in individuals affected with LAMA4-related conditions. This sequence change replaces threonine, which is neutral and polar, with isoleucine, which is neutral and non-polar, at codon 1714 of the LAMA4 protein (p.Thr1714Ile).